The following is an entry in ClinVar:

NM_203447.4(DOCK8):c.1807G>C (p.Gly603Arg)

Gene: DOCK8 (dedicator of cytokinesis 8; plus strand). Cytogenetic location: 9p24.3.
Variant type: single nucleotide variant.
Coding change: c.1807G>C on transcript NM_203447.4 (MANE Select); coding-DNA position 1807, G replaced by C.
Protein change: p.Gly603Arg; replaces glycine 603 with arginine.
Molecular consequence: missense variant.
Genome position (GRCh38, 1-based): chr9:370,239, G>C. VCF-style: chr9-370239-G-C. GRCh37 (hg19) VCF-style: chr9-370239-G-C.
Other names: c.1603G>C, p.Gly535Arg (NM_001190458.2, NM_001193536.2); short protein forms G603R, G535R.
Identifiers: ClinVar variation 1444772 (VCV001444772.8), dbSNP rs2131203404, ClinGen allele CA372760740.
Genomic context (GRCh38, chr9:370,239, plus strand): 5'-GATGTACCCAAATGTTACTGATAATTTGATCCTTTCTCTACTGGTGAACAGGTCATCTTT[G>C]GAAAATCCAGCGGGCCTGAATTTCTGCAGGAAGTGTACACAGCTGTTACATACCATAATA-3'
Protein context (NP_982272.2, residues 593-613): DASNAMPVIF[Gly603Arg]KSSGPEFLQE

ClinVar aggregate classification (germline): Uncertain significance (1 of 4 stars; one submission).

Conditions:
Combined immunodeficiency due to DOCK8 deficiency (HIES2). Also called: HYPER-IgE SYNDROME 2, AUTOSOMAL RECESSIVE, WITH RECURRENT INFECTIONS; HIES autosomal recessive; DOCK8 Deficiency; HYPER-IgE RECURRENT INFECTION SYNDROME 2, AUTOSOMAL RECESSIVE; Hyper-IgE recurrent infection syndrome, autosomal recessive. Identifiers: Orphanet 217390, MedGen C4722305, MONDO:0009478, OMIM 243700.

gnomAD v4.1: 3 of 1,613,866 alleles (0.00019%); highest among the groups gnomAD compares: Non-Finnish European, 0.00017%; no homozygotes.

Submission:

Labcorp Genetics (formerly Invitae), Labcorp
Classification: Uncertain significance for Combined immunodeficiency due to DOCK8 deficiency. Last evaluated: 2024-05-20. Review status: criteria provided, single submitter. Criteria: Invitae Variant Classification Sherloc (09022015). Collection method: clinical testing. Allele origin: germline.
Comment: This sequence change replaces glycine, which is neutral and non-polar, with arginine, which is basic and polar, at codon 603 of the DOCK8 protein (p.Gly603Arg). This variant is not present in population databases (gnomAD no frequency). This variant has not been reported in the literature in individuals affected with DOCK8-related conditions. ClinVar contains an entry for this variant (Variation ID: 1444772). Advanced modeling of protein sequence and biophysical properties (such as structural, functional, and spatial information, amino acid conservation, physicochemical variation, residue mobility, and thermodynamic stability) performed at Invitae indicates that this missense variant is expected to disrupt DOCK8 protein function with a positive predictive value of 80%. In summary, the available evidence is currently insufficient to determine the role of this variant in disease. Therefore, it has been classified as a Variant of Uncertain Significance.